The following is an entry in ClinVar:

ClinVar aggregate classification (germline): Likely pathogenic. Review status: criteria provided, multiple submitters, no conflicts (2 of 4 stars). 2 submissions from 2 submitters: Likely pathogenic (2). Last evaluated 2022-07-25.

Conditions:
Congenital muscular hypertrophy-cerebral syndrome (CDLS2). Also called: Cornelia de Lange syndrome 2; SMC1A-Related Cornelia de Lange Syndrome. Identifiers: Orphanet 199, MedGen C1802395, MONDO:0010370, OMIM 300590.

Submissions (2):

GeneDx
Classification: Likely pathogenic. Last evaluated: 2022-07-25. Review status: criteria provided, single submitter. Criteria: GeneDx Variant Classification Process June 2021. Collection method: clinical testing. Allele origin: germline. Affected: yes.
Comment: Observed in a patient in the published literature, but additional clinical information was not included (Huisman et al., 2017); Missense variants in this gene are often considered pathogenic (HGMD); In silico analysis supports that this missense variant has a deleterious effect on protein structure/function; Not observed at significant frequency in large population cohorts (gnomAD); This variant is associated with the following publications: (PMID: 28548707, 33502061)

3billion
Classification: Likely pathogenic for Congenital muscular hypertrophy-cerebral syndrome. Last evaluated: 2022-03-22. Review status: criteria provided, single submitter. Criteria: ACMG Guidelines, 2015. Collection method: clinical testing. Allele origin: germline. Affected: yes. Observed: 1 heterozygote.
Comment: Different pathogenic/likely pathogenic amino acid change has been reported with supporting evidence at the same codon (PMID:25125236). In silico tool predictions suggest damaging effect of the variant on gene or gene product (REVEL: 0.748>=0.6). A missense variant is a common mechanism . It is not observed in the gnomAD v2.1.1 dataset. Therefore, this variant is classified as likely pathogenic according to the recommendation of ACMG/AMP guideline.

Literature cited by the submitters: PubMed 25125236 (cited by 3billion); PubMed 28548707 (cited by 3billion).

NM_006306.4(SMC1A):c.1756C>T (p.Arg586Trp)

Gene: SMC1A (structural maintenance of chromosomes 1A; minus strand). Cytogenetic location: Xp11.22.
Variant type: single nucleotide variant.
Coding change: c.1756C>T on transcript NM_006306.4 (MANE Select); coding-DNA position 1756, C replaced by T.
Protein change: p.Arg586Trp; replaces arginine 586 with tryptophan.
Molecular consequence: missense variant.
Genome position (GRCh38, 1-based): chrX:53,405,648, G>A on the plus strand (C>T on the coding strand, the complement: SMC1A is on the minus strand). VCF-style: chrX-53405648-G-A. GRCh37 (hg19) VCF-style: chrX-53432580-G-A.
Other names: c.1690C>T, p.Arg564Trp (NM_001281463.1); c.1756C>T (NM_006306.2); short protein forms R564W, R586W.
Identifiers: ClinVar variation 1526114 (VCV001526114.4), dbSNP rs2146599836, ClinGen allele CA413253273.